The following is an entry in ClinVar:

NM_004006.3(DMD):c.805C>G (p.His269Asp)

Gene: DMD (dystrophin; minus strand). Cytogenetic location: Xp21.1.
Variant type: single nucleotide variant.
Coding change: c.805C>G on transcript NM_004006.3 (MANE Select); coding-DNA position 805, C replaced by G.
Protein change: p.His269Asp; replaces histidine 269 with aspartic acid.
Molecular consequence: missense variant.
Genome position (GRCh38, 1-based): chrX:32,699,138, G>C on the plus strand (C>G on the coding strand, the complement: DMD is on the minus strand). VCF-style: chrX-32699138-G-C. GRCh37 (hg19) VCF-style: chrX-32717255-G-C.
Other names: c.781C>G, p.His261Asp (NM_000109.4); c.793C>G, p.His265Asp (NM_004009.3); c.436C>G, p.His146Asp (NM_004010.3); short protein forms H265D, H269D, H146D, H261D.
Identifiers: ClinVar variation 2726868 (VCV002726868.4), dbSNP rs746626486, ClinGen allele CA10380072.

ClinVar aggregate classification (germline): Conflicting classifications of pathogenicity. Review status: criteria provided, conflicting classifications (1 of 4 stars). 2 submissions from 2 submitters: Uncertain significance (1); Likely benign (1). Last evaluated 2026-01-12.

Conditions:
Cardiovascular phenotype. Identifiers: MedGen CN230736.
Duchenne muscular dystrophy (DMD). Also called: MUSCULAR DYSTROPHY, PSEUDOHYPERTROPHIC PROGRESSIVE, DUCHENNE TYPE; Duchenne Muscular Dystrophy (DMD). Identifiers: Orphanet 98896, MedGen C0013264, MONDO:0010679, OMIM 310200.

Allele frequency attached by ClinVar (database versions not stated): ExAC 0.00001; gnomAD 0.00001.
gnomAD v4.1: 5 of 1,208,399 alleles (0.00041%); highest among the groups gnomAD compares: East Asian, 0.015%; no homozygotes.

Submissions (2):

Ambry Genetics
Classification: Uncertain significance for Cardiovascular phenotype. Last evaluated: 2026-01-12. Review status: criteria provided, single submitter. Criteria: Ambry Variant Classification Scheme 2023. Collection method: clinical testing. Allele origin: germline.
Comment: The p.H269D variant (also known as c.805C>G), located in coding exon 8 of the DMD gene, results from a C to G substitution at nucleotide position 805. The histidine at codon 269 is replaced by aspartic acid, an amino acid with similar properties. This amino acid position is not well conserved in available vertebrate species. In addition, the in silico prediction for this alteration is inconclusive. Based on data from gnomAD, the G allele has an overall frequency of 0.0015% (3/204635) total alleles studied, with 1 hemizygote(s) observed. The highest observed frequency was 0.0202% (3/14819) of East Asian alleles. Based on the available evidence, the clinical significance of this variant remains unclear.

Labcorp Genetics (formerly Invitae), Labcorp
Classification: Likely benign for Duchenne muscular dystrophy. Last evaluated: 2023-11-19. Review status: criteria provided, single submitter. Criteria: Invitae Variant Classification Sherloc (09022015). Collection method: clinical testing. Allele origin: germline.